The following is an entry in ClinVar:

NM_014014.5(SNRNP200):c.5145G>C (p.Lys1715Asn)

Genes: SNRNP200 (small nuclear ribonucleoprotein U5 subunit 200; minus strand), LOC126806272 (BRD4-independent group 4 enhancer GRCh37_chr2:96944520-96945719; plus strand). Cytogenetic location: 2q11.2.
Variant type: single nucleotide variant.
Coding change: c.5145G>C on transcript NM_014014.5 (MANE Select); coding-DNA position 5145, G replaced by C.
Protein change: p.Lys1715Asn; replaces lysine 1715 with asparagine.
Molecular consequence: missense variant.
Genome position (GRCh38, 1-based): chr2:96,278,987, C>G on the plus strand (G>C on the coding strand, the complement: SNRNP200 is on the minus strand). VCF-style: chr2-96278987-C-G. GRCh37 (hg19) VCF-style: chr2-96944725-C-G.
Other names: short protein forms K1715N.
Identifiers: ClinVar variation 1997405 (VCV001997405.4), dbSNP rs776283133, ClinGen allele CA1778014.

ClinVar aggregate classification (germline): Uncertain significance (1 of 4 stars; one submission).

Allele frequency attached by ClinVar (database versions not stated): gnomAD 0.00001; gnomAD exomes 0.00001; ExAC 0.00002.
gnomAD v4.1: 13 of 1,613,676 alleles (0.00081%); highest among the groups gnomAD compares: Non-Finnish European, 0.001%; no homozygotes.

Submission:

Labcorp Genetics (formerly Invitae), Labcorp
Classification: Uncertain significance. Last evaluated: 2023-07-14. Review status: criteria provided, single submitter. Criteria: Invitae Variant Classification Sherloc (09022015). Collection method: clinical testing. Allele origin: germline.
Comment: Advanced modeling of protein sequence and biophysical properties (such as structural, functional, and spatial information, amino acid conservation, physicochemical variation, residue mobility, and thermodynamic stability) has been performed at Invitae for this missense variant, however the output from this modeling did not meet the statistical confidence thresholds required to predict the impact of this variant on SNRNP200 protein function. ClinVar contains an entry for this variant (Variation ID: 1997405). This variant has not been reported in the literature in individuals affected with SNRNP200-related conditions. This variant is present in population databases (rs776283133, gnomAD 0.003%). This sequence change replaces lysine, which is basic and polar, with asparagine, which is neutral and polar, at codon 1715 of the SNRNP200 protein (p.Lys1715Asn). In summary, the available evidence is currently insufficient to determine the role of this variant in disease. Therefore, it has been classified as a Variant of Uncertain Significance.